The following is an entry in ClinVar:

NM_007348.4(ATF6):c.47G>T (p.Ser16Ile)

Gene: ATF6 (activating transcription factor 6; plus strand). Cytogenetic location: 1q23.3.
Variant type: single nucleotide variant.
Coding change: c.47G>T on transcript NM_007348.4 (MANE Select); coding-DNA position 47, G replaced by T.
Protein change: p.Ser16Ile; replaces serine 16 with isoleucine.
Molecular consequence: missense variant.
Genome position (GRCh38, 1-based): chr1:161,766,407, G>T. VCF-style: chr1-161766407-G-T. GRCh37 (hg19) VCF-style: chr1-161736197-G-T.
Other names: short protein forms S16I.
Identifiers: ClinVar variation 730055 (VCV000730055.36), dbSNP rs112863172, ClinGen allele CA1214071.

ClinVar aggregate classification (germline): Benign/Likely benign. Review status: criteria provided, multiple submitters, no conflicts (2 of 4 stars). 4 submissions from 4 submitters: Benign (1); Likely benign (3). Last evaluated 2026-01-27.

Conditions:
ATF6-related disorder. Also called: ATF6-related condition.

Allele frequency attached by ClinVar (database versions not stated): 1000 Genomes Project 30x 0.00141; 1000 Genomes Project 0.00160; TOPMed 0.00251; ExAC 0.00291; gnomAD 0.00294 and 0.00312; ESP Exome Variant Server 0.00392.
gnomAD v4.1: 6,570 of 1,613,616 alleles (0.41%); highest among the groups gnomAD compares: Non-Finnish European, 0.52%; 14 homozygotes.

Submissions (4):

Labcorp Genetics (formerly Invitae), Labcorp
Classification: Benign. Last evaluated: 2026-01-27. Review status: criteria provided, single submitter. Criteria: Invitae Variant Classification Sherloc (09022015). Collection method: clinical testing. Allele origin: germline.

PreventionGenetics, part of Exact Sciences
Classification: Likely benign for ATF6-related condition. Last evaluated: 2025-09-19. Review status: criteria provided, single submitter. Criteria: ACMG Guidelines, 2015. Collection method: clinical testing. Allele origin: germline.
Comment: This variant is classified as likely benign based on ACMG/AMP sequence variant interpretation guidelines (Richards et al. 2015 PMID: 25741868, with internal and published modifications).

Blueprint Genetics
Classification: Likely benign. Last evaluated: 2024-11-22. Review status: criteria provided, single submitter. Criteria: ACMG Guidelines, 2015. Collection method: clinical testing. Allele origin: germline.

CeGaT Center for Human Genetics Tuebingen
Classification: Likely benign. Last evaluated: 2023-08-01. Review status: criteria provided, single submitter. Criteria: CeGaT Center For Human Genetics Tuebingen Variant Classification Criteria Version 2. Collection method: clinical testing. Allele origin: germline. Affected: yes. Observed: 1 variant allele.
Comment: ATF6: BP4, BS2